The following is an entry in ClinVar:

ClinVar aggregate classification (germline): Pathogenic (1 of 4 stars; one submission).

Conditions:
Alstrom syndrome (ALMS). Identifiers: Orphanet 64, MedGen C0268425, MONDO:0008763, OMIM 203800.

Submission:

Labcorp Genetics (formerly Invitae), Labcorp
Classification: Pathogenic for Alstrom syndrome. Last evaluated: 2023-11-27. Review status: criteria provided, single submitter. Criteria: Invitae Variant Classification Sherloc (09022015). Collection method: clinical testing. Allele origin: germline.
Comment: This sequence change creates a premature translational stop signal (p.Gln1909*) in the ALMS1 gene. It is expected to result in an absent or disrupted protein product. Loss-of-function variants in ALMS1 are known to be pathogenic (PMID: 17594715). This variant is not present in population databases (gnomAD no frequency). This variant has not been reported in the literature in individuals affected with ALMS1-related conditions. For these reasons, this variant has been classified as Pathogenic.

Literature cited by the submitters: PubMed 17594715.

NM_001378454.1(ALMS1):c.5722C>T (p.Gln1908Ter)

Gene: ALMS1 (ALMS1 centrosome and basal body associated protein; plus strand). Cytogenetic location: 2p13.1.
Variant type: single nucleotide variant.
Coding change: c.5722C>T on transcript NM_001378454.1 (MANE Select); coding-DNA position 5722, C replaced by T.
Protein change: p.Gln1908Ter; replaces glutamine 1908 with a stop codon.
Molecular consequence: nonsense.
Genome position (GRCh38, 1-based): chr2:73,452,249, C>T. VCF-style: chr2-73452249-C-T. GRCh37 (hg19) VCF-style: chr2-73679376-C-T.
Other names: c.5725C>T, p.Gln1909Ter (NM_015120.4); short protein forms Q1908*, Q1909*.
Identifiers: ClinVar variation 2872723 (VCV002872723.3), dbSNP rs2466106273, ClinGen allele CA347283098.